The following is an entry in ClinVar:

NM_001145678.3(KIAA0825):c.3451_3456+13del

Gene: KIAA0825 (KIAA0825; minus strand). Cytogenetic location: 5q15.
Variant type: Deletion.
Coding change: c.3451_3456+13del on transcript NM_001145678.3 (MANE Select); coding-DNA position 3451 through 13 bases into the intron after coding-DNA position 3456, 19 bases deleted (AATGAGGTAGGGAAACGGC).
Molecular consequence: splice donor variant.
Genome position (GRCh38, 1-based): chr5:94,391,522-94,391,540, GCCGTTTCCCTACCTCATT deleted on the plus strand (AATGAGGTAGGGAAACGGC on the coding strand, the reverse complement: KIAA0825 is on the minus strand); deleting any 19 consecutive bases within chr5:94,391,522-94,391,541 gives the same sequence; the c. name uses the placement nearest the transcript's 3' end. VCF-style (leftmost placement, unchanged base first): chr5-94391521-GGCCGTTTCCCTACCTCATT-G. GRCh37 (hg19) VCF-style: chr5-93727226-GGCCGTTTCCCTACCTCATT-G.
Other names: NC_000005.9:g.93727228_93727246del; c.3466_3471+13del (NM_001388325.1, NM_001385712.1, NM_001385713.1); c.3450_3456+12del (NM_001145678.3).
Identifiers: ClinVar variation 2500276 (VCV002500276.3), dbSNP rs766167375, ClinGen allele CA3343968.

ClinVar aggregate classification (germline): Pathogenic/Likely pathogenic. Review status: criteria provided, multiple submitters, no conflicts (2 of 4 stars). 2 submissions from 2 submitters: Pathogenic (1); Likely pathogenic (1). Last evaluated 2024-11-22.

Conditions:
Polydactyly, postaxial, type a10. Identifiers: MedGen C5193129, MONDO:0032785, OMIM 618498.
KIAA0825-related disorders.

Submissions (3):

Blueprint Genetics
Classification: Likely pathogenic for KIAA0825-related disorders. Last evaluated: 2024-11-22. Review status: criteria provided, single submitter. Criteria: ACMG Guidelines, 2015. Collection method: clinical testing. Allele origin: germline. Affected: yes. Observed: 5 variant alleles.

Equipe Genetique des Anomalies du Developpement, Université de Bourgogne
Classification: Pathogenic for Polydactyly, postaxial, type a10. Last evaluated: 2023-04-11. Review status: criteria provided, single submitter. Criteria: ACMG Guidelines, 2015. Collection method: clinical testing. Allele origin: paternal. Inheritance: Autosomal recessive inheritance. Affected: yes.
Comment: This variant was observed in heterozygosity with variant c.2020T>A

Dr. Peter K. Rogan Lab, Western University
No classification provided (evidence only). Condition: Familial pancreatic carcinoma. Review status: no classification provided. Collection method: in vitro. Allele origin: not applicable. Functional consequence: skipped exon. Not counted in ClinVar's aggregate classification.